The following is an entry in ClinVar:

NM_002202.3(ISL1):c.1002A>G (p.Gln334=)

Gene: ISL1 (ISL LIM homeobox 1; plus strand). Cytogenetic location: 5q11.1.
Variant type: single nucleotide variant.
Coding change: c.1002A>G on transcript NM_002202.3 (MANE Select); coding-DNA position 1002, A replaced by G.
Protein change: p.Gln334=; no amino-acid change (glutamine 334 retained).
Molecular consequence: synonymous variant.
Genome position (GRCh38, 1-based): chr5:51,393,562, A>G. VCF-style: chr5-51393562-A-G. GRCh37 (hg19) VCF-style: chr5-50689396-A-G.
Identifiers: ClinVar variation 3353376 (VCV003353376.1).
Genomic context (GRCh38, chr5:51,393,562, plus strand): 5'-TTCAGAAGGAGGACCGGGCTCTAATTCCACTGGCAGTGAAGTAGCATCAATGTCCTCTCA[A>G]CTTCCAGATACACCTAACAGCATGGTAGCCAGTCCTATTGAGGCATGAGGAACATTCATT-3'
Protein context (NP_002193.2, residues 324-344): TGSEVASMSS[Gln334=]LPDTPNSMVA

ClinVar aggregate classification (germline): Likely benign (0 of 4 stars; one submission).

Conditions:
ISL1-related disorder. Also called: ISL1-related condition.

gnomAD v4.1: 1 of 1,613,534 alleles (0.000062%); highest among the groups gnomAD compares: Admixed American, 0.0017%; no homozygotes.

Submission:

PreventionGenetics, part of Exact Sciences
Classification: Likely benign for ISL1-related condition. Last evaluated: 2024-07-11. Review status: no assertion criteria provided. Collection method: clinical testing. Allele origin: germline.
Comment: This variant is classified as likely benign based on ACMG/AMP sequence variant interpretation guidelines (Richards et al. 2015 PMID: 25741868, with internal and published modifications).